The following is an entry in ClinVar:

NM_015665.6(AAAS):c.1366del (p.Gln456fs)

Gene: AAAS (aladin WD repeat nucleoporin; minus strand). Cytogenetic location: 12q13.13.
Variant type: Deletion.
Coding change: c.1366del on transcript NM_015665.6 (MANE Select); coding-DNA position 1366, one base deleted (C; older notation c.1366delC).
Protein change: p.Gln456fs; shifts the reading frame from glutamine 456.
Molecular consequence: frameshift variant.
Genome position (GRCh38, 1-based): chr12:53,307,895, G deleted on the plus strand (C on the coding strand, the reverse complement: AAAS is on the minus strand); the first of 4 consecutive G bases (chr12:53,307,895-53,307,898); deleting any one gives the same sequence. VCF-style (leftmost placement, unchanged base first): chr12-53307894-TG-T. GRCh37 (hg19) VCF-style: chr12-53701678-TG-T.
Other names: c.1267del, p.Gln423fs (NM_001173466.2); short protein forms Q423fs, Q456fs.
Identifiers: ClinVar variation 2878569 (VCV002878569.4), dbSNP rs767701527, ClinGen allele CA6598857.

ClinVar aggregate classification (germline): Pathogenic/Likely pathogenic. Review status: criteria provided, multiple submitters, no conflicts (2 of 4 stars). 2 submissions from 2 submitters: Pathogenic (1); Likely pathogenic (1). Last evaluated 2024-04-29.

Conditions:
Glucocorticoid deficiency with achalasia (AAAS). Also called: Achalasia-addisonianism-alacrimia syndrome; ALACRIMA-ACHALASIA-ADRENAL INSUFFICIENCY NEUROLOGIC DISORDER; Hypoadrenalism with achalasia; Alacrima-achalasia-addisonianism; ACTH-resistant adrenal insufficiency, achalasia and alacrima; Glucocorticoid deficiency and achalasia. Identifiers: Orphanet 869, MedGen C0271742, MONDO:0009279, OMIM 231550.

Submissions (2):

Fulgent Genetics
Classification: Likely pathogenic for Glucocorticoid deficiency with achalasia. Last evaluated: 2024-04-29. Review status: criteria provided, single submitter. Criteria: ACMG Guidelines, 2015. Collection method: clinical testing. Allele origin: germline.

Labcorp Genetics (formerly Invitae), Labcorp
Classification: Pathogenic. Last evaluated: 2023-03-29. Review status: criteria provided, single submitter. Criteria: Invitae Variant Classification Sherloc (09022015). Collection method: clinical testing. Allele origin: germline.
Comment: For these reasons, this variant has been classified as Pathogenic. This variant disrupts a region of the AAAS protein in which other variant(s) (p.Arg478*) have been determined to be pathogenic (PMID: 11062474, 14646395, 29874194, 30381913). This suggests that this is a clinically significant region of the protein, and that variants that disrupt it are likely to be disease-causing. This variant has not been reported in the literature in individuals affected with AAAS-related conditions. This variant is present in population databases (rs767701527, gnomAD 0.008%). This sequence change results in a frameshift in the AAAS gene (p.Gln456Serfs*95). While this is not anticipated to result in nonsense mediated decay, it is expected to disrupt the last 91 amino acid(s) of the AAAS protein and extend the protein by 3 additional amino acid residues.

Literature cited by the submitters: PubMed 11062474 (cited by Labcorp Genetics (formerly Invitae), Labcorp); PubMed 14646395 (cited by Labcorp Genetics (formerly Invitae), Labcorp); PubMed 29874194 (cited by Labcorp Genetics (formerly Invitae), Labcorp); PubMed 30381913 (cited by Labcorp Genetics (formerly Invitae), Labcorp).